The following is an entry in ClinVar:

NM_198576.4(AGRN):c.6057C>G (p.Asp2019Glu)

Gene: AGRN (agrin; plus strand). Cytogenetic location: 1p36.33.
Variant type: single nucleotide variant.
Coding change: c.6057C>G on transcript NM_198576.4 (MANE Select); coding-DNA position 6057, C replaced by G.
Protein change: p.Asp2019Glu; replaces aspartic acid 2019 with glutamic acid.
Molecular consequence: missense variant.
Genome position (GRCh38, 1-based): chr1:1,054,900, C>G. VCF-style: chr1-1054900-C-G. GRCh37 (hg19) VCF-style: chr1-990280-C-G.
Other names: c.6126C>G, p.Asp2042Glu (NM_001305275.2); c.5754C>G, p.Asp1918Glu (NM_001364727.2); short protein forms D1918E, D2042E, D2019E.
Identifiers: ClinVar variation 1964258 (VCV001964258.5), dbSNP rs4275402, ClinGen allele CA337786831.

ClinVar aggregate classification (germline): Uncertain significance (1 of 4 stars; one submission).

Conditions:
Congenital myasthenic syndrome 8. Also called: MYASTHENIC SYNDROME, CONGENITAL, DUE TO AGRIN DEFICIENCY; Myasthenic syndrome, congenital, 8, with pre- and postsynaptic defects. Identifiers: Orphanet 590, MedGen C3808739, MONDO:0014052, OMIM 615120.

Submission:

Labcorp Genetics (formerly Invitae), Labcorp
Classification: Uncertain significance for Congenital myasthenic syndrome 8. Last evaluated: 2022-05-16. Review status: criteria provided, single submitter. Criteria: Invitae Variant Classification Sherloc (09022015). Collection method: clinical testing. Allele origin: germline.
Comment: In summary, the available evidence is currently insufficient to determine the role of this variant in disease. Therefore, it has been classified as a Variant of Uncertain Significance. Algorithms developed to predict the effect of missense changes on protein structure and function are either unavailable or do not agree on the potential impact of this missense change (SIFT: "Deleterious"; PolyPhen-2: "Probably Damaging"; Align-GVGD: "Class C0"). This variant has not been reported in the literature in individuals affected with AGRN-related conditions. This variant is not present in population databases (gnomAD no frequency). This sequence change replaces aspartic acid, which is acidic and polar, with glutamic acid, which is acidic and polar, at codon 2019 of the AGRN protein (p.Asp2019Glu).